The following is an entry in ClinVar:

NM_178862.3(STT3B):c.2072G>A (p.Arg691Gln)

Gene: STT3B (STT3 oligosaccharyltransferase complex catalytic subunit B; plus strand). Cytogenetic location: 3p23.
Variant type: single nucleotide variant.
Coding change: c.2072G>A on transcript NM_178862.3 (MANE Select); coding-DNA position 2072, G replaced by A.
Protein change: p.Arg691Gln; replaces arginine 691 with glutamine.
Molecular consequence: missense variant.
Genome position (GRCh38, 1-based): chr3:31,626,126, G>A. VCF-style: chr3-31626126-G-A. GRCh37 (hg19) VCF-style: chr3-31667618-G-A.
Other names: short protein forms R691Q.
Identifiers: ClinVar variation 972008 (VCV000972008.6), dbSNP rs949533229, ClinGen allele CA72518587.
Genomic context (GRCh38, chr3:31,626,126, plus strand): 5'-ATATCAACAAATTTCTCTGGATGGTTAGGATAGCTGAAGGAGAACATCCCAAAGACATTC[G>A]GGTAAGAAACTAGATAATTCCAGGTATGTGAAAGATAGCTCACTGTGTCCTCGTAATTCT-3'
Protein context (NP_849193.1, residues 681-701): IAEGEHPKDI[Arg691Gln]ESDYFTPQGE

ClinVar aggregate classification (germline): Uncertain significance (1 of 4 stars; one submission).

Conditions:
STT3B-congenital disorder of glycosylation. Also called: CDG Ix; Congenital disorder of glycosylation type 1x; STT3B-CDG. Identifiers: Orphanet 370924, MedGen C2931007, MONDO:0014271, OMIM 615597.

Allele frequency attached by ClinVar (database versions not stated): gnomAD exomes 0.00001 and below 0.00001; gnomAD 0.00001; TOPMed 0.00001.
gnomAD v4.1: 20 of 1,611,282 alleles (0.0012%); highest among the groups gnomAD compares: Admixed American, 0.013%; no homozygotes.

Submission:

Labcorp Genetics (formerly Invitae), Labcorp
Classification: Uncertain significance for STT3B-congenital disorder of glycosylation. Last evaluated: 2025-10-21. Review status: criteria provided, single submitter. Criteria: Invitae Variant Classification Sherloc (09022015). Collection method: clinical testing. Allele origin: germline.
Comment: This sequence change replaces arginine, which is basic and polar, with glutamine, which is neutral and polar, at codon 691 of the STT3B protein (p.Arg691Gln). The frequency data for this variant in the population databases is considered unreliable, as metrics indicate poor data quality at this position in the gnomAD database. This variant has not been reported in the literature in individuals affected with STT3B-related conditions. ClinVar contains an entry for this variant (Variation ID: 972008). An algorithm developed to predict the effect of missense changes on protein structure and function (PolyPhen-2) suggests that this variant is likely to be tolerated. In summary, the available evidence is currently insufficient to determine the role of this variant in disease. Therefore, it has been classified as a Variant of Uncertain Significance.